The following is an entry in ClinVar:

NM_000391.4(TPP1):c.1145+1G>T

Gene: TPP1 (tripeptidyl peptidase 1; minus strand). Cytogenetic location: 11p15.4.
Variant type: single nucleotide variant.
Coding change: c.1145+1G>T on transcript NM_000391.4 (MANE Select); the canonical splice donor site of the intron after coding-DNA position 1145, G replaced by T.
Molecular consequence: splice donor variant.
Genome position (GRCh38, 1-based): chr11:6,616,004, C>A on the plus strand (G>T on the coding strand, the complement: TPP1 is on the minus strand). VCF-style: chr11-6616004-C-A. GRCh37 (hg19) VCF-style: chr11-6637235-C-A.
Identifiers: ClinVar variation 5004331 (VCV005004331.1).

ClinVar aggregate classification (germline): Likely pathogenic (1 of 4 stars; one submission).

Conditions:
Neuronal ceroid lipofuscinosis 2. Also called: JANSKY-BIELSCHOWSKY DISEASE NEURONAL CEROID LIPOFUSCINOSIS, LATE INFANTILE; TPP1-Related Neuronal Ceroid-Lipofuscinosis. Identifiers: Orphanet 168491, Orphanet 228349, Orphanet 79264, MedGen C1876161, MONDO:0008769, OMIM 204500.

Submission:

Myriad Genetics, Inc.
Classification: Likely pathogenic for Neuronal ceroid lipofuscinosis 2. Last evaluated: 2025-12-15. Review status: criteria provided, single submitter. Criteria: Myriad Autosomal Dominant, Autosomal Recessive and X-Linked Classification Criteria (2023). Collection method: clinical testing. Allele origin: unknown.
Comment: NM_000391.3(TPP1):c.1145+1G>T is a variant in a canonical splice site classified as likely pathogenic in the context of TPP1-related neuronal ceroid lipofuscinosis. c.1145+1G>T has not been observed in cases with relevant disease. Relevant functional assessments of this variant are not available in the literature. c.1145+1G>T has not been observed in referenced population frequency databases. In summary, NM_000391.3(TPP1):c.1145+1G>T is a variant in a canonical splice site in a gene where loss of function is a known mechanism of disease and is predicted to disrupt protein function. Please note: this variant was assessed in the context of healthy population screening.